The following is an entry in ClinVar:

ClinVar aggregate classification (germline): Uncertain significance. Review status: criteria provided, multiple submitters, no conflicts (2 of 4 stars). 2 submissions from 2 submitters: Uncertain significance (2). Last evaluated 2025-09-22.

Conditions:
TCTN1-related disorder. Also called: TCTN1-related condition.
Joubert syndrome. Also called: Familial aplasia of the vermis; JOUBERT-BOLTSHAUSER SYNDROME. Identifiers: Orphanet 475, MedGen C5979921, MONDO:0018772.
Meckel-Gruber syndrome. Also called: DYSENCEPHALIA SPLANCHNOCYSTICA; GRUBER SYNDROME; Dysencephalia splachnocystica. Identifiers: Orphanet 564, MedGen C0265215, MONDO:0018921.

Allele frequency attached by ClinVar (database versions not stated): gnomAD exomes 0.00004; ExAC 0.00005; gnomAD 0.00006; TOPMed 0.00008.
gnomAD v4.1: 31 of 1,614,066 alleles (0.0019%); highest among the groups gnomAD compares: Admixed American, 0.0083%; no homozygotes.

Submissions (2):

PreventionGenetics, part of Exact Sciences
Classification: Uncertain significance for TCTN1-related condition. Last evaluated: 2025-09-22. Review status: criteria provided, single submitter. Criteria: ACMG Guidelines, 2015. Collection method: clinical testing. Allele origin: germline.
Comment: The TCTN1 c.901C>T variant is predicted to result in the amino acid substitution p.Arg301Trp. To our knowledge, this variant has not been reported in the literature. This variant is reported in 0.014% of alleles in individuals of Latino descent in gnomAD. At this time, the clinical significance of this variant is uncertain due to the absence of conclusive functional and genetic evidence.

Labcorp Genetics (formerly Invitae), Labcorp
Classification: Uncertain significance for Joubert syndrome; Meckel-Gruber syndrome. Last evaluated: 2022-08-31. Review status: criteria provided, single submitter. Criteria: Invitae Variant Classification Sherloc (09022015). Collection method: clinical testing. Allele origin: germline.
Comment: This sequence change replaces arginine, which is basic and polar, with tryptophan, which is neutral and slightly polar, at codon 301 of the TCTN1 protein (p.Arg301Trp). This variant is present in population databases (rs755328291, gnomAD 0.01%). This variant has not been reported in the literature in individuals affected with TCTN1-related conditions. ClinVar contains an entry for this variant (Variation ID: 1021833). Algorithms developed to predict the effect of missense changes on protein structure and function are either unavailable or do not agree on the potential impact of this missense change (SIFT: "Tolerated"; PolyPhen-2: "Possibly Damaging"; Align-GVGD: "Class C0"). In summary, the available evidence is currently insufficient to determine the role of this variant in disease. Therefore, it has been classified as a Variant of Uncertain Significance.

NM_001082538.3(TCTN1):c.901C>T (p.Arg301Trp)

Gene: TCTN1 (tectonic family member 1; plus strand). Cytogenetic location: 12q24.11.
Variant type: single nucleotide variant.
Coding change: c.901C>T on transcript NM_001082538.3 (MANE Select); coding-DNA position 901, C replaced by T.
Protein change: p.Arg301Trp; replaces arginine 301 with tryptophan.
Molecular consequence: missense variant. On other transcripts: non-coding transcript variant (1).
Genome position (GRCh38, 1-based): chr12:110,640,440, C>T. VCF-style: chr12-110640440-C-T. GRCh37 (hg19) VCF-style: chr12-111078245-C-T.
Other names: c.733C>T, p.Arg245Trp (NM_001173975.3); c.721C>T, p.Arg241Trp (NM_001173976.2); c.901C>T, p.Arg301Trp (NM_001319680.2, NM_001082537.3); c.367C>T, p.Arg123Trp (NM_001319681.2); c.859C>T, p.Arg287Trp (NM_024549.6); c.901C>T (NM_001082538.2); short protein forms R123W, R241W, R245W, R287W, R301W.
Identifiers: ClinVar variation 1021833 (VCV001021833.5), dbSNP rs755328291, ClinGen allele CA6786767.